The following is an entry in ClinVar:

ClinVar aggregate classification (germline): Uncertain significance (1 of 4 stars; one submission).

Conditions:
Peroxisome biogenesis disorder due to PEX16 defect. Identifiers: MedGen CN305485, MONDO:0100269.

gnomAD v4.1: 1 of 1,612,666 alleles (0.000062%); highest among the groups gnomAD compares: Non-Finnish European, 0.000085%; no homozygotes.

Submission:

Victorian Clinical Genetics Services, Murdoch Childrens Research Institute
Classification: Uncertain significance for Peroxisome biogenesis disorder due to PEX16 defect. Last evaluated: 2020-06-11. Review status: criteria provided, single submitter. Criteria: ACMG Guidelines, 2015. Collection method: clinical testing. Allele origin: germline. Inheritance: Autosomal recessive inheritance.
Comment: Based on the classification scheme VCGS_Germline_v1.1.1, this variant is classified as 3C-VUS. Following criteria are met: 0102 - Loss-of-function is a known mechanism of disease for this gene. (N) 0106 - This gene is known to be associated with autosomal recessive disease. (N) 0200 - Variant is predicted to result in a missense amino acid change from a tryptophan to a cysteine (exon 8). (N) 0251 - Variant is heterozygous. (N) 0301 - Variant is absent from gnomAD. (P) 0504 - Same amino acid change has been observed in mammals. (B) 0600 - Variant is located in an annotated domain or motif (PEX16 domain; NCBI, PDB). (N) 0705 - No comparable variants have previous evidence for pathogenicity. (N) 0807 - Variant has not previously been reported in a clinical context. (N) 0905 - No segregation evidence has been identified for this variant. (N) 1007 - No published functional evidence has been identified for this variant. (N) 1208 - Inheritance information for this variant is not currently available. (N) Legend: (P) - Pathogenic, (N) - Neutral, (B) - Benign

NM_004813.4(PEX16):c.714G>C (p.Trp238Cys)

Gene: PEX16 (peroxisomal biogenesis factor 16; minus strand). Cytogenetic location: 11p11.2.
Variant type: single nucleotide variant.
Coding change: c.714G>C on transcript NM_004813.4 (MANE Select); coding-DNA position 714, G replaced by C.
Protein change: p.Trp238Cys; replaces tryptophan 238 with cysteine.
Molecular consequence: missense variant.
Genome position (GRCh38, 1-based): chr11:45,914,184, C>G on the plus strand (G>C on the coding strand, the complement: PEX16 is on the minus strand). VCF-style: chr11-45914184-C-G. GRCh37 (hg19) VCF-style: chr11-45935735-C-G.
Other names: c.714G>C, p.Trp238Cys (NM_057174.3); short protein forms W238C.
Identifiers: ClinVar variation 1805719 (VCV001805719.1), dbSNP rs2494894758, ClinGen allele CA380226839.